The following is an entry in ClinVar:

ClinVar aggregate classification (germline): Uncertain significance (1 of 4 stars; one submission).

Submission:

CeGaT Center for Human Genetics Tuebingen
Classification: Uncertain significance. Last evaluated: 2026-01-01. Review status: criteria provided, single submitter. Criteria: CeGaT Center For Human Genetics Tuebingen Variant Classification Criteria Version 2. Collection method: clinical testing. Allele origin: germline. Affected: yes. Observed: 1 variant allele.
Comment: SGCE: PM2, PP3

NM_003919.3(SGCE):c.110-33_110-3del

Genes: CASD1 (CAS1 domain sialic acid O acetyltransferase 1; plus strand), SGCE (sarcoglycan epsilon; minus strand). Cytogenetic location: 7q21.3.
Variant type: Deletion.
Coding change: c.110-33_110-3del on transcript NM_003919.3 (MANE Select); 33 bases into the intron before coding-DNA position 110 through 3 bases into the intron before coding-DNA position 110, 31 bases deleted.
Molecular consequence: intron variant.
Genome position (GRCh38, 1-based): chr7:94,629,844-94,629,874, 31 bases deleted; deleting any 31 consecutive bases within chr7:94,629,844-94,629,876 gives the same sequence; the c. name uses the placement nearest the transcript's 3' end. GRCh37 (hg19): chr7:94,259,158-94,259,188.
Other names: c.110-1515_110-1485del (NM_001362809.2, NM_001301139.2); c.110-33_110-3del (NM_001346717.2, NM_001099400.2, NM_001099401.2); c.218-33_218-3del (NM_001346715.2, NM_001346713.2); c.23-33_23-3del (NM_001362807.2, NM_001346719.2); c.-164-33_-164-3del (NM_001362808.2, NM_001346720.2).
Identifiers: ClinVar variation 4822796 (VCV004822796.4).